The following is an entry in ClinVar:

ClinVar aggregate classification (germline): Benign (1 of 4 stars; one submission).

Conditions:
Episodic ataxia type 5. Identifiers: Orphanet 211067, MedGen C1866039, MONDO:0013464, OMIM 613855.

Allele frequency attached by ClinVar (database versions not stated): 1000 Genomes Project 30x 0.00656; gnomAD 0.00673 and 0.00714; 1000 Genomes Project 0.00699; TOPMed 0.00778.

Submission:

Illumina Laboratory Services, Illumina
Classification: Benign for Episodic ataxia type 5. Last evaluated: 2018-01-13. Review status: criteria provided, single submitter. Criteria: ICSL Variant Classification Criteria 13 December 2019. Collection method: clinical testing. Allele origin: germline.
Comment: This variant was observed in the ICSL laboratory as part of a predisposition screen in an ostensibly healthy population. It had not been previously curated by ICSL or reported in the Human Gene Mutation Database (HGMD: prior to June 1st, 2018), and was therefore a candidate for classification through an automated scoring system. Utilizing variant allele frequency, disease prevalence and penetrance estimates, and inheritance mode, an automated score was calculated to assess if this variant is too frequent to cause the disease. Based on the score and internal cut-off values, a variant classified as benign is not then subjected to further curation. The score for this variant resulted in a classification of benign for this disease.

NM_000726.5(CACNB4):c.*4773A>G

Gene: CACNB4 (calcium voltage-gated channel auxiliary subunit beta 4; minus strand). Cytogenetic location: 2q23.3.
Variant type: single nucleotide variant.
Coding change: c.*4773A>G on transcript NM_000726.5 (MANE Select); 4773 bases downstream of the stop codon, A replaced by G.
Molecular consequence: 3 prime UTR variant.
Genome position (GRCh38, 1-based): chr2:151,834,346, T>C on the plus strand (A>G on the coding strand, the complement: CACNB4 is on the minus strand). VCF-style: chr2-151834346-T-C. GRCh37 (hg19) VCF-style: chr2-152690860-T-C.
Other names: c.*4773A>G (NM_001005746.4, NM_001005747.4, NM_001145798.3 and 7 more transcripts).
Identifiers: ClinVar variation 331567 (VCV000331567.6), dbSNP rs113408437, ClinGen allele CA10610992.
Genomic context (GRCh38, chr2:151,834,346, plus strand): 5'-CATCCTTCTGCAAACATTTTACATACATCATGAGAAACAAAAGAAAGTTTCATATATAAC[T>C]ACGACTCCCCAAACCAATTGCTACTCACTCTTAATTATACTTTGTTTATGGCAAGTAGAA-3'